The following is an entry in ClinVar:

ClinVar aggregate classification (germline): Uncertain significance. Review status: criteria provided, multiple submitters, no conflicts (2 of 4 stars). 2 submissions from 2 submitters: Uncertain significance (2). Last evaluated 2025-08-30.

Allele frequency attached by ClinVar (database versions not stated): gnomAD exomes 0.00002 and 0.00006; TOPMed 0.00002; gnomAD 0.00003; ExAC 0.00005; ESP Exome Variant Server 0.00015.
gnomAD v4.1: 89 of 1,611,164 alleles (0.0055%); highest among the groups gnomAD compares: Non-Finnish European, 0.007%; no homozygotes.

Submissions (2):

Labcorp Genetics (formerly Invitae), Labcorp
Classification: Uncertain significance. Last evaluated: 2025-08-30. Review status: criteria provided, single submitter. Criteria: Invitae Variant Classification Sherloc (09022015). Collection method: clinical testing. Allele origin: germline.
Comment: This sequence change replaces proline, which is neutral and non-polar, with leucine, which is neutral and non-polar, at codon 496 of the PITPNM3 protein (p.Pro496Leu). This variant is present in population databases (rs144946778, gnomAD 0.006%). This variant has not been reported in the literature in individuals affected with PITPNM3-related conditions. ClinVar contains an entry for this variant (Variation ID: 958643). An algorithm developed to predict the effect of missense changes on protein structure and function (PolyPhen-2) suggests that this variant is likely to be tolerated. In summary, the available evidence is currently insufficient to determine the role of this variant in disease. Therefore, it has been classified as a Variant of Uncertain Significance.

Ambry Genetics
Classification: Uncertain significance. Last evaluated: 2025-04-30. Review status: criteria provided, single submitter. Criteria: Ambry Variant Classification Scheme 2023. Collection method: clinical testing. Allele origin: germline.

NM_031220.4(PITPNM3):c.1487C>T (p.Pro496Leu)

Gene: PITPNM3 (PITPNM family member 3; minus strand). Cytogenetic location: 17p13.2.
Variant type: single nucleotide variant.
Coding change: c.1487C>T on transcript NM_031220.4 (MANE Select); coding-DNA position 1487, C replaced by T.
Protein change: p.Pro496Leu; replaces proline 496 with leucine.
Molecular consequence: missense variant.
Genome position (GRCh38, 1-based): chr17:6,471,298, G>A on the plus strand (C>T on the coding strand, the complement: PITPNM3 is on the minus strand). VCF-style: chr17-6471298-G-A. GRCh37 (hg19) VCF-style: chr17-6374618-G-A.
Other names: c.1379C>T, p.Pro460Leu (NM_001165966.2); short protein forms P460L, P496L.
Identifiers: ClinVar variation 958643 (VCV000958643.11), dbSNP rs144946778, ClinGen allele CA8329487.